The following is an entry in ClinVar:

NM_002230.4(JUP):c.559G>A (p.Ala187Thr)

Gene: JUP (junction plakoglobin; minus strand). Cytogenetic location: 17q21.2.
Variant type: single nucleotide variant.
Coding change: c.559G>A on transcript NM_002230.4 (MANE Select); coding-DNA position 559, G replaced by A.
Protein change: p.Ala187Thr; replaces alanine 187 with threonine.
Molecular consequence: missense variant.
Genome position (GRCh38, 1-based): chr17:41,769,117, C>T on the plus strand (G>A on the coding strand, the complement: JUP is on the minus strand). VCF-style: chr17-41769117-C-T. GRCh37 (hg19) VCF-style: chr17-39925369-C-T.
Other names: c.559G>A, p.Ala187Thr (NM_001352773.2, NM_001352774.2, NM_001352775.2 and 3 more transcripts); short protein forms A187T.
Identifiers: ClinVar variation 2941611 (VCV002941611.4), dbSNP rs2544182143, ClinGen allele CA399503235.

ClinVar aggregate classification (germline): Uncertain significance. Review status: criteria provided, multiple submitters, no conflicts (2 of 4 stars). 2 submissions from 2 submitters: Uncertain significance (2). Last evaluated 2025-07-29.

Conditions:
Arrhythmogenic right ventricular dysplasia 12. Also called: ARRHYTHMOGENIC RIGHT VENTRICULAR DYSPLASIA, FAMILIAL, 12. Identifiers: MedGen C1969081, MONDO:0012684, OMIM 611528.
Naxos disease (NXD). Also called: KERATOSIS PALMOPLANTARIS WITH ARRHYTHMOGENIC CARDIOMYOPATHY; MAL DE NAXOS; PALMOPLANTAR KERATODERMA WITH ARRHYTHMOGENIC RIGHT VENTRICULAR CARDIOMYOPATHY AND WOOLLY HAIR; WOOLLY HAIR, PALMOPLANTAR KERATODERMA, AND CARDIAC ABNORMALITIES; CARDIOMYOPATHY, ARRHYTHMOGENIC RIGHT VENTRICULAR, WITH SKIN, HAIR, AND NAIL ABNORMALITIES. Identifiers: Orphanet 34217, MedGen C1832600, MONDO:0011017, OMIM 601214.
Cardiovascular phenotype. Identifiers: MedGen CN230736.

Allele frequency attached by ClinVar (database versions not stated): gnomAD exomes below 0.00001.
gnomAD v4.1: 1 of 1,611,550 alleles (0.000062%); highest among the groups gnomAD compares: Non-Finnish European, 0.000085%; no homozygotes.

Submissions (2):

Ambry Genetics
Classification: Uncertain significance for Cardiovascular phenotype. Last evaluated: 2025-07-29. Review status: criteria provided, single submitter. Criteria: Ambry Variant Classification Scheme 2023. Collection method: clinical testing. Allele origin: germline.
Comment: The p.A187T variant (also known as c.559G>A), located in coding exon 3 of the JUP gene, results from a G to A substitution at nucleotide position 559. The alanine at codon 187 is replaced by threonine, an amino acid with similar properties. This amino acid position is conserved. In addition, this alteration is predicted to be tolerated by in silico analysis. Based on the available evidence, the clinical significance of this variant remains unclear.

Labcorp Genetics (formerly Invitae), Labcorp
Classification: Uncertain significance for Arrhythmogenic right ventricular dysplasia 12; Naxos disease. Last evaluated: 2023-09-18. Review status: criteria provided, single submitter. Criteria: Invitae Variant Classification Sherloc (09022015). Collection method: clinical testing. Allele origin: germline.
Comment: In summary, the available evidence is currently insufficient to determine the role of this variant in disease. Therefore, it has been classified as a Variant of Uncertain Significance. An algorithm developed to predict the effect of missense changes on protein structure and function (PolyPhen-2) suggests that this variant is likely to be tolerated. This variant has not been reported in the literature in individuals affected with JUP-related conditions. This variant is not present in population databases (gnomAD no frequency). This sequence change replaces alanine, which is neutral and non-polar, with threonine, which is neutral and polar, at codon 187 of the JUP protein (p.Ala187Thr).